The following is an entry in ClinVar:

NM_001933.5(DLST):c.791C>T (p.Ala264Val)

Gene: DLST (dihydrolipoamide S-succinyltransferase; plus strand). Cytogenetic location: 14q24.3.
Variant type: single nucleotide variant.
Coding change: c.791C>T on transcript NM_001933.5 (MANE Select); coding-DNA position 791, C replaced by T.
Protein change: p.Ala264Val; replaces alanine 264 with valine.
Molecular consequence: missense variant. On other transcripts: non-coding transcript variant (2).
Genome position (GRCh38, 1-based): chr14:74,898,389, C>T. VCF-style: chr14-74898389-C-T. GRCh37 (hg19) VCF-style: chr14-75365092-C-T.
Other names: short protein forms A264V.
Identifiers: ClinVar variation 3082937 (VCV003082937.3), dbSNP rs367571427, ClinGen allele CA7273652.
Genomic context (GRCh38, chr14:74,898,389, plus strand): 5'-GCAGGCTTTGTGGTCAGTTTGTTTTGTAATATTTTCACAGTAACATCCAGGAGATGAGGG[C>T]TCGGCACAAAGAGGCTTTTTTGAAGAAACATAACCTCAAACTAGGCTTCATGTCGGCATT-3'
Protein context (NP_001924.2, residues 254-274): IDMSNIQEMR[Ala264Val]RHKEAFLKKH

ClinVar aggregate classification (germline): Uncertain significance. Review status: criteria provided, multiple submitters, no conflicts (2 of 4 stars). 2 submissions from 2 submitters: Uncertain significance (2). Last evaluated 2024-09-19.

Allele frequency attached by ClinVar (database versions not stated): gnomAD exomes below 0.00001; ExAC 0.00002; TOPMed 0.00006; ESP Exome Variant Server 0.00008; gnomAD 0.00009.

Submissions (2):

Labcorp Genetics (formerly Invitae), Labcorp
Classification: Uncertain significance. Last evaluated: 2024-09-19. Review status: criteria provided, single submitter. Criteria: Invitae Variant Classification Sherloc (09022015). Collection method: clinical testing. Allele origin: germline.
Comment: This sequence change replaces alanine, which is neutral and non-polar, with valine, which is neutral and non-polar, at codon 264 of the DLST protein (p.Ala264Val). This variant is present in population databases (rs367571427, gnomAD 0.02%). This variant has not been reported in the literature in individuals affected with DLST-related conditions. Invitae Evidence Modeling of protein sequence and biophysical properties (such as structural, functional, and spatial information, amino acid conservation, physicochemical variation, residue mobility, and thermodynamic stability) indicates that this missense variant is not expected to disrupt DLST protein function with a negative predictive value of 80%. In summary, the available evidence is currently insufficient to determine the role of this variant in disease. Therefore, it has been classified as a Variant of Uncertain Significance.

Ambry Genetics
Classification: Uncertain significance. Last evaluated: 2023-12-31. Review status: criteria provided, single submitter. Criteria: Ambry Variant Classification Scheme 2023. Collection method: clinical testing. Allele origin: germline.